The following is an entry in ClinVar:

ClinVar aggregate classification (germline): Likely pathogenic. Review status: criteria provided, single submitter (1 of 4 stars). 3 submissions from 3 submitters: Likely pathogenic (1). 2 of the submissions do not count toward it. Last evaluated 2024-11-21.

Conditions:
Seizures, benign familial infantile, 5 (BFIS5). Also called: CONVULSIONS, BENIGN FAMILIAL INFANTILE, 5. Identifiers: Orphanet 306, MedGen C4310728, MONDO:0014903, OMIM 617080.
Developmental and epileptic encephalopathy, 13 (DEE13). Also called: SCN8A-Related Epilepsy; Early infantile epileptic encephalopathy 13; Developmental and Epileptic Encephalopathy (SCN8A-DEE). Identifiers: Orphanet 442835, MedGen C3281191, MONDO:0013801, OMIM 614558.

Submissions (3):

3billion
Classification: Likely pathogenic for Seizures, benign familial infantile, 5. Last evaluated: 2024-11-21. Review status: criteria provided, single submitter. Criteria: ACMG Guidelines, 2015. Collection method: clinical testing. Allele origin: germline. Affected: yes.
Comment: The variant is not observed in the gnomAD v4.1.0 dataset. Predicted Consequence/Location: Missense variant. Missense changes are a common disease-causing mechanism. Functional studies provide moderate evidence of the variant having a damaging effect on the gene or gene product (PMID: 25239001). In silico tool predictions suggest damaging effect of the variant on gene or gene product [REVEL: 0.99 (>=0.6, sensitivity 0.68 and specificity 0.92); 3Cnet: 0.98 (>=0.6, sensitivity 0.72 and precision 0.9)]. The same nucleotide change resulting in the same amino acid change has been previously reported to be associated with SCN8A related disorder (ClinVar ID: VCV000162015 /PMID: 25239001).Different missense changes at the same codon (p.Arg223Ser, p.Arg223Thr) have been reported as pathogenic/likely pathogenic with strong evidence (ClinVar ID: VCV000665356, VCV001895463 /PMID: 29933521). Therefore, this variant is classified as Likely pathogenic according to the recommendation of ACMG/AMP guideline.

OMIM
Classification: Pathogenic for DEVELOPMENTAL AND EPILEPTIC ENCEPHALOPATHY 13. Last evaluated: 2014-11-01. Review status: no assertion criteria provided. Collection method: literature only. Allele origin: germline. Not counted in ClinVar's aggregate classification.

GeneReviews
No classification provided. Condition: Developmental and epileptic encephalopathy, 13. Review status: no classification provided. Collection method: literature only. Allele origin: germline. Affected: yes. Not counted in ClinVar's aggregate classification.

Literature cited by the submitters: PubMed 25239001 (cited by 3 submitters); PubMed 29933521 (cited by 3billion); NCBI Bookshelf NBK379665 (cited by GeneReviews).

NM_014191.4(SCN8A):c.667A>G (p.Arg223Gly)

Gene: SCN8A (sodium voltage-gated channel alpha subunit 8; plus strand). Cytogenetic location: 12q13.13.
Variant type: single nucleotide variant.
Coding change: c.667A>G on transcript NM_014191.4 (MANE Plus Clinical); coding-DNA position 667, A replaced by G.
Protein change: p.Arg223Gly; replaces arginine 223 with glycine.
Molecular consequence: missense variant. On other transcripts: intron variant (2).
Genome position (GRCh38, 1-based): chr12:51,688,810, A>G. VCF-style: chr12-51688810-A-G. GRCh37 (hg19) VCF-style: chr12-52082594-A-G.
Other names: c.667A>G, p.Arg223Gly (NM_001177984.3); c.615-195A>G (NM_001330260.2, NM_001369788.1); short protein forms R223G.
Identifiers: ClinVar variation 162015 (VCV000162015.6), dbSNP rs672601319, ClinGen allele CA174955.